The following is an entry in ClinVar:

ClinVar aggregate classification (germline): Uncertain significance (1 of 4 stars; one submission).

Allele frequency attached by ClinVar (database versions not stated): TOPMed 0.00005; gnomAD 0.00006; ESP Exome Variant Server 0.00009.
gnomAD v4.1: 7 of 1,197,638 alleles (0.00058%); highest among the groups gnomAD compares: African/African-American, 0.012%; no homozygotes.

Submission:

Labcorp Genetics (formerly Invitae), Labcorp
Classification: Uncertain significance. Last evaluated: 2023-01-12. Review status: criteria provided, single submitter. Criteria: Invitae Variant Classification Sherloc (09022015). Collection method: clinical testing. Allele origin: germline.
Comment: This variant is present in population databases (rs373233283, gnomAD 0.02%). In summary, the available evidence is currently insufficient to determine the role of this variant in disease. Therefore, it has been classified as a Variant of Uncertain Significance. Advanced modeling of protein sequence and biophysical properties (such as structural, functional, and spatial information, amino acid conservation, physicochemical variation, residue mobility, and thermodynamic stability) has been performed at Invitae for this missense variant, however the output from this modeling did not meet the statistical confidence thresholds required to predict the impact of this variant on PHEX protein function. This variant has not been reported in the literature in individuals affected with PHEX-related conditions. This sequence change replaces arginine, which is basic and polar, with lysine, which is basic and polar, at codon 385 of the PHEX protein (p.Arg385Lys).

NM_000444.6(PHEX):c.1154G>A (p.Arg385Lys)

Gene: PHEX (phosphate regulating endopeptidase X-linked; plus strand). Cytogenetic location: Xp22.11.
Variant type: single nucleotide variant.
Coding change: c.1154G>A on transcript NM_000444.6 (MANE Select); coding-DNA position 1154, G replaced by A.
Protein change: p.Arg385Lys; replaces arginine 385 with lysine.
Molecular consequence: missense variant.
Genome position (GRCh38, 1-based): chrX:22,111,541, G>A. VCF-style: chrX-22111541-G-A. GRCh37 (hg19) VCF-style: chrX-22129659-G-A.
Other names: c.1154G>A, p.Arg385Lys (NM_001282754.2); short protein forms R385K.
Identifiers: ClinVar variation 2901500 (VCV002901500.3), dbSNP rs373233283, ClinGen allele CA327523394.